The following is an entry in ClinVar:

NM_004415.4(DSP):c.3607A>T (p.Met1203Leu)

Gene: DSP (desmoplakin; plus strand). Cytogenetic location: 6p24.3.
Variant type: single nucleotide variant.
Coding change: c.3607A>T on transcript NM_004415.4 (MANE Select); coding-DNA position 3607, A replaced by T.
Protein change: p.Met1203Leu; replaces methionine 1203 with leucine.
Molecular consequence: missense variant. On other transcripts: intron variant (1).
Genome position (GRCh38, 1-based): chr6:7,579,797, A>T. VCF-style: chr6-7579797-A-T. GRCh37 (hg19) VCF-style: chr6-7580030-A-T.
Other names: c.3607A>T, p.Met1203Leu (NM_001319034.2); c.3582+25A>T (NM_001008844.3); short protein forms M1203L.
Identifiers: ClinVar variation 1733164 (VCV001733164.2), dbSNP rs2533924798, ClinGen allele CA362684449.

ClinVar aggregate classification (germline): Uncertain significance (1 of 4 stars; one submission).

Conditions:
Cardiovascular phenotype. Identifiers: MedGen CN230736.

Submission:

Ambry Genetics
Classification: Uncertain significance for Cardiovascular phenotype. Last evaluated: 2022-03-25. Review status: criteria provided, single submitter. Criteria: Ambry Variant Classification Scheme 2023. Collection method: clinical testing. Allele origin: germline.
Comment: The p.M1203L variant (also known as c.3607A>T), located in coding exon 23 of the DSP gene, results from an A to T substitution at nucleotide position 3607. The methionine at codon 1203 is replaced by leucine, an amino acid with highly similar properties. This amino acid position is conserved. In addition, the in silico prediction for this alteration is inconclusive. Since supporting evidence is limited at this time, the clinical significance of this alteration remains unclear.